The following is an entry in ClinVar:

ClinVar aggregate classification (germline): Uncertain significance (1 of 4 stars; one submission).

Conditions:
Charcot-Marie-Tooth disease type 4B3. Also called: Charcot-Marie-Tooth Neuropathy Type 4B3; CHARCOT-MARIE-TOOTH DISEASE, DEMYELINATING, TYPE 4B3. Identifiers: Orphanet 363981, MedGen C3695063, MONDO:0014117, OMIM 615284.

Allele frequency attached by ClinVar (database versions not stated): gnomAD exomes below 0.00001; gnomAD 0.00001.

Submission:

MVZ Medizinische Genetik Mainz
Classification: Uncertain significance for Charcot-Marie-Tooth disease type 4B3. Last evaluated: 2023-09-11. Review status: criteria provided, single submitter. Criteria: UK Practice Guidelines For Variant Classification V4 01 2020. Collection method: clinical testing. Allele origin: germline. Inheritance: Autosomal dominant inheritance. Affected: yes. Observed: 1 variant allele.
Comment: ACMG Criteria: PP3_STR,PM2_SUP

NM_002972.4(SBF1):c.3571C>T (p.Arg1191Cys)

Gene: SBF1 (SET binding factor 1; minus strand). Cytogenetic location: 22q13.33.
Variant type: single nucleotide variant.
Coding change: c.3571C>T on transcript NM_002972.4 (MANE Select); coding-DNA position 3571, C replaced by T.
Protein change: p.Arg1191Cys; replaces arginine 1191 with cysteine.
Molecular consequence: missense variant.
Genome position (GRCh38, 1-based): chr22:50,459,587, G>A on the plus strand (C>T on the coding strand, the complement: SBF1 is on the minus strand). VCF-style: chr22-50459587-G-A. GRCh37 (hg19) VCF-style: chr22-50898016-G-A.
Other names: c.3574C>T, p.Arg1192Cys (NM_001365819.1, NM_001410794.1); c.3571C>T, p.Arg1191Cys (NM_001410795.1, NM_197971.1); short protein forms R1191C, R1192C.
Identifiers: ClinVar variation 3236221 (VCV003236221.1), dbSNP rs2067412685, ClinGen allele CA412204437.
Genomic context (GRCh38, chr22:50,459,587, plus strand): 5'-CTCCAGAGCGCAGCAGCACCGCCTTGGACCGCCCGCTGCGCCAGCAGACCACGGGGAAGC[G>A]GTTCTGGCGGTAGCAGCGGGACACGCGCTGCAGGGCGTTGTCCTGGACACTCTGGGGCAC-3'
Protein context (NP_002963.2, residues 1181-1201): QRVSRCYRQN[Arg1191Cys]FPVVCWRSGR